The following is an entry in ClinVar:

ClinVar aggregate classification (germline): Uncertain significance (1 of 4 stars; one submission).

Conditions:
Nephronophthisis 15 (NPHP15). Identifiers: Orphanet 3156, MedGen C3541853, MONDO:0013917, OMIM 614845.

Allele frequency attached by ClinVar (database versions not stated): gnomAD exomes below 0.00001; ExAC 0.00001; gnomAD 0.00001; 1000 Genomes Project 30x 0.00016; 1000 Genomes Project 0.00020.
gnomAD v4.1: 1 of 1,609,128 alleles (0.000062%); highest among the groups gnomAD compares: South Asian, 0.0011%; no homozygotes.

Submission:

Labcorp Genetics (formerly Invitae), Labcorp
Classification: Uncertain significance for Nephronophthisis 15. Last evaluated: 2022-03-17. Review status: criteria provided, single submitter. Criteria: Invitae Variant Classification Sherloc (09022015). Collection method: clinical testing. Allele origin: germline.
Comment: This sequence change replaces serine, which is neutral and polar, with arginine, which is basic and polar, at codon 379 of the CEP164 protein (p.Ser379Arg). In summary, the available evidence is currently insufficient to determine the role of this variant in disease. Therefore, it has been classified as a Variant of Uncertain Significance. Algorithms developed to predict the effect of missense changes on protein structure and function output the following: SIFT: "Tolerated"; PolyPhen-2: "Benign"; Align-GVGD: "Class C0". The arginine amino acid residue is found in multiple mammalian species, which suggests that this missense change does not adversely affect protein function. This variant has not been reported in the literature in individuals affected with CEP164-related conditions. This variant is present in population databases (rs550044351, gnomAD 0.003%).

NM_014956.5(CEP164):c.1137T>A (p.Ser379Arg)

Gene: CEP164 (centrosomal protein 164; plus strand). Cytogenetic location: 11q23.3.
Variant type: single nucleotide variant.
Coding change: c.1137T>A on transcript NM_014956.5 (MANE Select); coding-DNA position 1137, T replaced by A.
Protein change: p.Ser379Arg; replaces serine 379 with arginine.
Molecular consequence: missense variant.
Genome position (GRCh38, 1-based): chr11:117,371,451, T>A. VCF-style: chr11-117371451-T-A. GRCh37 (hg19) VCF-style: chr11-117242167-T-A.
Other names: c.1137T>A, p.Ser379Arg (NM_001271933.2); short protein forms S379R.
Identifiers: ClinVar variation 1404007 (VCV001404007.8), dbSNP rs550044351, ClinGen allele CA6294638.
Genomic context (GRCh38, chr11:117,371,451, plus strand): 5'-CAGGAGGGAAGAGGCAGCCAAGGAGCCAAAGAAGAAGGCTTCTGCTCTGGAAGAGGGCAG[T>A]TCAGACGCCAGCCAAGTAAGTCACTGTATCCCATAGGCAGGGGTTGGCTGTAGCCCTCTG-3'
Protein context (NP_055771.4, residues 369-389): KKKASALEEG[Ser379Arg]SDASQELEIS